The following is an entry in ClinVar:

NM_001256545.2(MEGF10):c.4G>A (p.Val2Ile)

Gene: MEGF10 (multiple EGF like domains 10; plus strand). Cytogenetic location: 5q23.2.
Variant type: single nucleotide variant.
Coding change: c.4G>A on transcript NM_001256545.2 (MANE Select); coding-DNA position 4, G replaced by A.
Protein change: p.Val2Ile; replaces valine 2 with isoleucine.
Molecular consequence: missense variant.
Genome position (GRCh38, 1-based): chr5:127,331,312, G>A. VCF-style: chr5-127331312-G-A. GRCh37 (hg19) VCF-style: chr5-126667004-G-A.
Other names: c.4G>A, p.Val2Ile (NM_001308119.2, NM_001308121.2, NM_032446.3); short protein forms V2I.
Identifiers: ClinVar variation 3294093 (VCV003294093.2).

ClinVar aggregate classification (germline): Uncertain significance. Review status: criteria provided, multiple submitters, no conflicts (2 of 4 stars). 2 submissions from 2 submitters: Uncertain significance (2). Last evaluated 2025-10-06.

Conditions:
Inborn genetic diseases. Identifiers: MedGen C0950123, MeSH D030342.

gnomAD v4.1: 3 of 1,595,524 alleles (0.00019%); highest among the groups gnomAD compares: African/African-American, 0.0013%; no homozygotes.

Submissions (2):

Women's Health and Genetics/Laboratory Corporation of America, LabCorp
Classification: Uncertain significance. Last evaluated: 2025-10-06. Review status: criteria provided, single submitter. Criteria: LabCorp Variant Classification Summary - May 2015. Collection method: clinical testing. Allele origin: germline.
Comment: Variant summary: MEGF10 c.4G>A (p.Val2Ile) results in a conservative amino acid change in the encoded protein sequence. Algorithms developed to predict the effect of missense changes on protein structure and function all suggest that this variant is likely to be tolerated. The variant was absent in 247520 control chromosomes. The available data on variant occurrences in the general population are insufficient to allow any conclusion about variant significance. To our knowledge, no occurrence of c.4G>A in individuals affected with MEGF10-related conditions and no experimental evidence demonstrating its impact on protein function have been reported. ClinVar contains an entry for this variant (Variation ID: 3294093). Based on the evidence outlined above, the variant was classified as uncertain significance.

Ambry Genetics
Classification: Uncertain significance for Inborn genetic diseases. Last evaluated: 2024-03-15. Review status: criteria provided, single submitter. Criteria: Ambry Variant Classification Scheme 2023. Collection method: clinical testing. Allele origin: germline.